The following is an entry in ClinVar:

NM_000059.4(BRCA2):c.6263C>G (p.Thr2088Ser)

Gene: BRCA2 (BRCA2 DNA repair associated; plus strand). Cytogenetic location: 13q13.1.
Variant type: single nucleotide variant.
Coding change: c.6263C>G on transcript NM_000059.4 (MANE Select); coding-DNA position 6263, C replaced by G.
Protein change: p.Thr2088Ser; replaces threonine 2088 with serine.
Molecular consequence: missense variant.
Genome position (GRCh38, 1-based): chr13:32,340,618, C>G. VCF-style: chr13-32340618-C-G. GRCh37 (hg19) VCF-style: chr13-32914755-C-G.
Other names: short protein forms T2088S.
Identifiers: ClinVar variation 921599 (VCV000921599.12), dbSNP rs767567428, ClinGen allele CA387788956.

ClinVar aggregate classification (germline): Conflicting classifications of pathogenicity. Review status: criteria provided, conflicting classifications (1 of 4 stars). 4 submissions from 4 submitters: Uncertain significance (3); Likely benign (1). Last evaluated 2025-08-13.

Conditions:
Hereditary cancer-predisposing syndrome. Also called: Neoplastic Syndromes, Hereditary; Tumor predisposition; Hereditary Cancer Syndrome; Hereditary neoplastic syndrome. Identifiers: Orphanet 140162, MedGen C0027672, MeSH D009386, MONDO:0015356.
Hereditary breast ovarian cancer syndrome. Also called: BRCA1- and BRCA2-Associated Hereditary Breast and Ovarian Cancer; Hereditary breast and ovarian cancer syndrome; Hereditary breast and ovarian cancer; Hereditary breast and ovarian cancer syndrome (HBOC); Breast and ovarian cancer; Hereditary breast and/or ovarian cancer syndrome. Identifiers: Orphanet 145, MedGen C0677776, MeSH D061325, MONDO:0003582. Disease mechanism: loss of function.

Submissions (4):

Labcorp Genetics (formerly Invitae), Labcorp
Classification: Uncertain significance for Hereditary breast ovarian cancer syndrome. Last evaluated: 2025-08-13. Review status: criteria provided, single submitter. Criteria: Invitae Variant Classification Sherloc (09022015). Collection method: clinical testing. Allele origin: germline.
Comment: This sequence change replaces threonine, which is neutral and polar, with serine, which is neutral and polar, at codon 2088 of the BRCA2 protein (p.Thr2088Ser). This variant is not present in population databases (gnomAD no frequency). This variant has not been reported in the literature in individuals affected with BRCA2-related conditions. ClinVar contains an entry for this variant (Variation ID: 921599). Invitae Evidence Modeling of protein sequence and biophysical properties (such as structural, functional, and spatial information, amino acid conservation, physicochemical variation, residue mobility, and thermodynamic stability) indicates that this missense variant is not expected to disrupt BRCA2 protein function with a negative predictive value of 95%. In summary, the available evidence is currently insufficient to determine the role of this variant in disease. Therefore, it has been classified as a Variant of Uncertain Significance.

Ambry Genetics
Classification: Uncertain significance for Hereditary cancer-predisposing syndrome. Last evaluated: 2024-11-20. Review status: criteria provided, single submitter. Criteria: Ambry Variant Classification Scheme 2023. Collection method: clinical testing. Allele origin: germline.
Comment: The p.T2088S variant (also known as c.6263C>G), located in coding exon 10 of the BRCA2 gene, results from a C to G substitution at nucleotide position 6263. The threonine at codon 2088 is replaced by serine, an amino acid with similar properties. This amino acid position is not well conserved in available vertebrate species. In addition, this alteration is predicted to be tolerated by in silico analysis. Based on the available evidence, the clinical significance of this variant remains unclear.

University of Washington Department of Laboratory Medicine, University of Washington
Classification: Likely benign for Hereditary cancer-predisposing syndrome. Last evaluated: 2023-03-23. Review status: criteria provided, single submitter. Criteria: Dines et al. (Genet Med. 2020). Collection method: curation. Allele origin: germline.
Comment: Missense variant in a coldspot region where missense variants are very unlikely to be pathogenic (PMID:31911673).

BRCA2 exon 11 coldspot. Reclassification based on statistical prior probability.

Color Diagnostics, LLC DBA Color Health
Classification: Uncertain significance for Hereditary cancer-predisposing syndrome. Last evaluated: 2019-05-14. Review status: criteria provided, single submitter. Criteria: ACMG Guidelines, 2015. Collection method: clinical testing. Allele origin: germline.